The following is an entry in ClinVar:

ClinVar aggregate classification (germline): Conflicting classifications of pathogenicity. Review status: criteria provided, conflicting classifications (1 of 4 stars). 3 submissions from 3 submitters: Uncertain significance (1); Likely benign (2). Last evaluated 2026-01-24.

Conditions:
Argininosuccinate lyase deficiency. Also called: ARGININOSUCCINIC ACID LYASE DEFICIENCY; ASL DEFICIENCY; Argininosuccinic aciduria. Identifiers: Orphanet 23, MedGen C0268547, MONDO:0008815, OMIM 207900, HP:0025630.

Allele frequency attached by ClinVar (database versions not stated): ExAC 0.00021; 1000 Genomes Project 30x 0.00031; 1000 Genomes Project 0.00040; gnomAD 0.00053 and 0.00057; TOPMed 0.00060; ESP Exome Variant Server 0.00085.
gnomAD v4.1: 179 of 1,613,496 alleles (0.011%); highest among the groups gnomAD compares: African/African-American, 0.19%; no homozygotes.

Submissions (3):

Labcorp Genetics (formerly Invitae), Labcorp
Classification: Likely benign for Argininosuccinate lyase deficiency. Last evaluated: 2026-01-24. Review status: criteria provided, single submitter. Criteria: Invitae Variant Classification Sherloc (09022015). Collection method: clinical testing. Allele origin: germline.

Illumina Laboratory Services, Illumina
Classification: Uncertain significance for Argininosuccinate lyase deficiency. Last evaluated: 2018-01-22. Review status: criteria provided, single submitter. Criteria: ICSL Variant Classification Criteria 13 December 2019. Collection method: clinical testing. Allele origin: germline.

GeneDx
Classification: Likely benign. Last evaluated: 2016-10-03. Review status: criteria provided, single submitter. Criteria: GeneDx Variant Classification (06012015). Collection method: clinical testing. Allele origin: germline. Affected: yes.
Comment: This variant is considered likely benign or benign based on one or more of the following criteria: it is a conservative change, it occurs at a poorly conserved position in the protein, it is predicted to be benign by multiple in silico algorithms, and/or has population frequency not consistent with disease.

NM_000048.4(ASL):c.399G>A (p.Ser133=)

Gene: ASL (argininosuccinate lyase; plus strand). Cytogenetic location: 7q11.21.
Variant type: single nucleotide variant.
Coding change: c.399G>A on transcript NM_000048.4 (MANE Select); coding-DNA position 399, G replaced by A.
Protein change: p.Ser133=; no amino-acid change (serine 133 retained).
Molecular consequence: synonymous variant.
Genome position (GRCh38, 1-based): chr7:66,083,127, G>A. VCF-style: chr7-66083127-G-A. GRCh37 (hg19) VCF-style: chr7-65548114-G-A.
Other names: c.399G>A, p.Ser133= (NM_001024943.2, NM_001024944.2, NM_001024946.2).
Identifiers: ClinVar variation 389723 (VCV000389723.18), dbSNP rs141584041, ClinGen allele CA4276943.
Genomic context (GRCh38, chr7:66,083,127, plus strand): 5'-CCTTGCACAGGTGGTCACAGACCTCAGGCTGTGGATGCGGCAGACCTGCTCCACGCTCTC[G>A]GGCCTCCTCTGGGAGCTCATTAGGACCATGGTGGATCGGGCAGAGGCGTGAGTCCTACAG-3'
Protein context (NP_000039.2, residues 123-143): LWMRQTCSTL[Ser133=]GLLWELIRTM